The following is an entry in ClinVar:

NM_001267550.2(TTN):c.56875T>A (p.Tyr18959Asn)

Genes: TTN (titin; minus strand), TTN-AS1 (TTN antisense RNA 1; plus strand). Cytogenetic location: 2q31.2.
Variant type: single nucleotide variant.
Coding change: c.56875T>A on transcript NM_001267550.2 (MANE Select); coding-DNA position 56875, T replaced by A.
Protein change: p.Tyr18959Asn; replaces tyrosine 18959 with asparagine.
Molecular consequence: missense variant.
Genome position (GRCh38, 1-based): chr2:178,598,835, A>T on the plus strand (T>A on the coding strand, the complement: TTN is on the minus strand). VCF-style: chr2-178598835-A-T. GRCh37 (hg19) VCF-style: chr2-179463562-A-T.
Other names: c.29680T>A, p.Tyr9894Asn (NM_003319.4); c.49171T>A, p.Tyr16391Asn (NM_133378.4); c.30055T>A, p.Tyr10019Asn (NM_133432.3); c.30256T>A, p.Tyr10086Asn (NM_133437.4); c.51952T>A, p.Tyr17318Asn (NM_001256850.1); short protein forms Y10019N, Y10086N, Y16391N, Y17318N, Y18959N, Y9894N.
Identifiers: ClinVar variation 1677440 (VCV001677440.3), dbSNP rs753144774, ClinGen allele CA1993168.

ClinVar aggregate classification (germline): Uncertain significance. Review status: criteria provided, multiple submitters, no conflicts (2 of 4 stars). 3 submissions from 3 submitters: Uncertain significance (3). Last evaluated 2026-02-19.

Conditions:
TTN-related disorder. Also called: TTN-related disorders; TTN-related condition; TTN-related disease.
Tibial muscular dystrophy (TMD). Also called: UDD MYOPATHY; Udd Distal Myopathy – Tibial Muscular Dystrophy; Tibial muscular dystrophy, tardive. Identifiers: Orphanet 609, MedGen C1838244, MONDO:0010870, OMIM 600334.
Early-onset myopathy with fatal cardiomyopathy (CMYO5). Also called: CONGENITAL MYOPATHY 5 WITH CARDIOMYOPATHY; Salih Myopathy. Identifiers: Orphanet 289377, MedGen C2673677, MONDO:0012714, OMIM 611705. Disease mechanism: loss of function.
Hypertrophic cardiomyopathy 9. Also called: Familial hypertrophic cardiomyopathy 9. Identifiers: MedGen C1861065, MONDO:0013412, OMIM 613765.
Autosomal recessive limb-girdle muscular dystrophy type 2J (LGMDR10). Also called: MUSCULAR DYSTROPHY, LIMB-GIRDLE, AUTOSOMAL RECESSIVE 10; Limb-girdle muscular dystrophy, type 2J. Identifiers: Orphanet 140922, MedGen C1837342, MONDO:0012127, OMIM 608807.
Myopathy, myofibrillar, 9, with early respiratory failure (MFM9). Also called: Myopathy, distal, with early respiratory failure, autosomal dominant; EDSTROM MYOPATHY; MYOPATHY, PROXIMAL, WITH EARLY RESPIRATORY MUSCLE INVOLVEMENT; Hereditary myopathy with early respiratory failure. Identifiers: Orphanet 178464, Orphanet 34521, MedGen C1863599, MONDO:0011362, OMIM 603689.
Dilated cardiomyopathy 1G (CMD1G). Identifiers: Orphanet 154, MedGen C1858763, MONDO:0011400, OMIM 604145.

Allele frequency attached by ClinVar (database versions not stated): TOPMed 0.00003; gnomAD 0.00005; gnomAD exomes 0.00006.
gnomAD v4.1: 99 of 1,613,258 alleles (0.0061%); highest among the groups gnomAD compares: Non-Finnish European, 0.0081%; no homozygotes.

Submissions (3):

PreventionGenetics, part of Exact Sciences
Classification: Uncertain significance for TTN-related condition. Last evaluated: 2026-02-19. Review status: criteria provided, single submitter. Criteria: ACMG Guidelines, 2015. Collection method: clinical testing. Allele origin: germline.
Comment: The TTN c.56875T>A variant is predicted to result in the amino acid substitution p.Tyr18959Asn. To our knowledge, this variant has not been reported in the literature. This variant is reported in 0.0016% of alleles in individuals of European (Non-Finnish) descent in gnomAD. At this time, the clinical significance of this variant is uncertain due to the absence of conclusive functional and genetic evidence.

Fulgent Genetics
Classification: Uncertain significance for Tibial muscular dystrophy; Myopathy, myofibrillar, 9, with early respiratory failure; Dilated cardiomyopathy 1G; Autosomal recessive limb-girdle muscular dystrophy type 2J; Early-onset myopathy with fatal cardiomyopathy; Hypertrophic cardiomyopathy 9. Last evaluated: 2024-04-02. Review status: criteria provided, single submitter. Criteria: ACMG Guidelines, 2015. Collection method: clinical testing. Allele origin: germline.

AiLife Diagnostics
Classification: Uncertain significance. Last evaluated: 2021-10-12. Review status: criteria provided, single submitter. Criteria: ACMG Guidelines, 2015. Collection method: clinical testing. Allele origin: germline. Affected: yes. Observed: 2 variant alleles.